The following is an entry in ClinVar:

ClinVar aggregate classification (germline): Uncertain significance. Review status: criteria provided, multiple submitters, no conflicts (2 of 4 stars). 2 submissions from 2 submitters: Uncertain significance (2). Last evaluated 2025-07-30.

Conditions:
C1 inhibitor deficiency. Identifiers: MedGen C1852700, MONDO:0007361, OMIM 120790.

Allele frequency attached by ClinVar (database versions not stated): 1000 Genomes Project 30x 0.00016; gnomAD 0.00003; 1000 Genomes Project 0.00020.
gnomAD v4.1: 35 of 1,614,126 alleles (0.0022%); highest among the groups gnomAD compares: African/African-American, 0.0053%; no homozygotes.

Submissions (2):

Labcorp Genetics (formerly Invitae), Labcorp
Classification: Uncertain significance. Last evaluated: 2025-07-30. Review status: criteria provided, single submitter. Criteria: Invitae Variant Classification Sherloc (09022015). Collection method: clinical testing. Allele origin: germline.
Comment: This sequence change replaces threonine, which is neutral and polar, with methionine, which is neutral and non-polar, at codon 404 of the SERPING1 protein (p.Thr404Met). This variant is present in population databases (rs373751057, gnomAD 0.003%). This variant has not been reported in the literature in individuals affected with SERPING1-related conditions. ClinVar contains an entry for this variant (Variation ID: 2733011). Invitae Evidence Modeling of protein sequence and biophysical properties (such as structural, functional, and spatial information, amino acid conservation, physicochemical variation, residue mobility, and thermodynamic stability) indicates that this missense variant is not expected to disrupt SERPING1 protein function with a negative predictive value of 80%. In summary, the available evidence is currently insufficient to determine the role of this variant in disease. Therefore, it has been classified as a Variant of Uncertain Significance.

Johns Hopkins Genomics, Johns Hopkins University
Classification: Uncertain significance for C1 inhibitor deficiency. Last evaluated: 2024-05-10. Review status: criteria provided, single submitter. Criteria: ACMG Guidelines, 2015. Collection method: clinical testing. Allele origin: germline.
Comment: While SERPING1 variants have been reported to cause the phenotypes listed in the table above, a causative role for these variants in renal disease has not been definitively established. We consider the clinical significance of this SERPING1 variant for renal disease to be uncertain at this time. This variant is also classified as having uncertain significance for the above listed known autosomal dominant SERPING1- related phenotypes.

NM_000062.3(SERPING1):c.1211C>T (p.Thr404Met)

Gene: SERPING1 (serpin family G member 1; plus strand). Cytogenetic location: 11q12.1.
Variant type: single nucleotide variant.
Coding change: c.1211C>T on transcript NM_000062.3 (MANE Select); coding-DNA position 1211, C replaced by T.
Protein change: p.Thr404Met; replaces threonine 404 with methionine.
Molecular consequence: missense variant.
Genome position (GRCh38, 1-based): chr11:57,611,898, C>T. VCF-style: chr11-57611898-C-T. GRCh37 (hg19) VCF-style: chr11-57379371-C-T.
Other names: c.1211C>T, p.Thr404Met (NM_001032295.2); short protein forms T404M.
Identifiers: ClinVar variation 2733011 (VCV002733011.4), dbSNP rs373751057, ClinGen allele CA6008242.